The following is an entry in ClinVar:

ClinVar aggregate classification (germline): Uncertain significance (1 of 4 stars; one submission).

Conditions:
Fanconi anemia (FA). Also called: Fanconi's anemia. Identifiers: Orphanet 84, MedGen C0015625, MeSH D005199, MONDO:0019391.

Submission:

Labcorp Genetics (formerly Invitae), Labcorp
Classification: Uncertain significance for Fanconi anemia. Last evaluated: 2024-03-09. Review status: criteria provided, single submitter. Criteria: Invitae Variant Classification Sherloc (09022015). Collection method: clinical testing. Allele origin: germline.
Comment: This sequence change replaces leucine, which is neutral and non-polar, with serine, which is neutral and polar, at codon 414 of the FANCA protein (p.Leu414Ser). This variant is not present in population databases (gnomAD no frequency). This variant has not been reported in the literature in individuals affected with FANCA-related conditions. Advanced modeling of protein sequence and biophysical properties (such as structural, functional, and spatial information, amino acid conservation, physicochemical variation, residue mobility, and thermodynamic stability) performed at Invitae indicates that this missense variant is expected to disrupt FANCA protein function with a positive predictive value of 80%. In summary, the available evidence is currently insufficient to determine the role of this variant in disease. Therefore, it has been classified as a Variant of Uncertain Significance.

NM_000135.4(FANCA):c.1241T>C (p.Leu414Ser)

Gene: FANCA (FA complementation group A; minus strand). Cytogenetic location: 16q24.3.
Variant type: single nucleotide variant.
Coding change: c.1241T>C on transcript NM_000135.4 (MANE Select); coding-DNA position 1241, T replaced by C.
Protein change: p.Leu414Ser; replaces leucine 414 with serine.
Molecular consequence: missense variant.
Genome position (GRCh38, 1-based): chr16:89,791,521, A>G on the plus strand (T>C on the coding strand, the complement: FANCA is on the minus strand). VCF-style: chr16-89791521-A-G. GRCh37 (hg19) VCF-style: chr16-89857929-A-G.
Other names: c.1241T>C, p.Leu414Ser (NM_001286167.3); short protein forms L414S.
Identifiers: ClinVar variation 3645235 (VCV003645235.2).